The following is an entry in ClinVar:

NM_000059.4(BRCA2):c.574A>G (p.Met192Val)

Gene: BRCA2 (BRCA2 DNA repair associated; plus strand). Cytogenetic location: 13q13.1.
Variant type: single nucleotide variant.
Coding change: c.574A>G on transcript NM_000059.4 (MANE Select); coding-DNA position 574, A replaced by G.
Protein change: p.Met192Val; replaces methionine 192 with valine.
Molecular consequence: missense variant.
Genome position (GRCh38, 1-based): chr13:32,326,556, A>G. VCF-style: chr13-32326556-A-G. GRCh37 (hg19) VCF-style: chr13-32900693-A-G.
Other names: short protein forms M192V.
Identifiers: ClinVar variation 531263 (VCV000531263.12), dbSNP rs1555281073, ClinGen allele CA387758005.
Genomic context (GRCh38, chr13:32,326,556, plus strand): 5'-CAGGGTCGTCAGACACCAAAACATATTTCTGAAAGTCTAGGAGCTGAGGTGGATCCTGAT[A>G]TGTCTTGGTCAAGTTCTTTAGCTACACCACCCACCCTTAGTTCTACTGTGCTCATAGGTA-3'
Protein context (NP_000050.3, residues 182-202): ESLGAEVDPD[Met192Val]SWSSSLATPP

ClinVar aggregate classification (germline): Uncertain significance. Review status: criteria provided, multiple submitters, no conflicts (2 of 4 stars). 2 submissions from 2 submitters: Uncertain significance (2). Last evaluated 2024-11-12.

Conditions:
Hereditary cancer-predisposing syndrome. Also called: Hereditary neoplastic syndrome; Neoplastic Syndromes, Hereditary; Tumor predisposition; Hereditary Cancer Syndrome. Identifiers: Orphanet 140162, MedGen C0027672, MeSH D009386, MONDO:0015356.
Hereditary breast ovarian cancer syndrome. Also called: Hereditary breast and ovarian cancer syndrome (HBOC); BRCA1- and BRCA2-Associated Hereditary Breast and Ovarian Cancer; Hereditary breast and ovarian cancer syndrome; Breast and ovarian cancer; Hereditary breast and ovarian cancer; Hereditary breast and/or ovarian cancer syndrome. Identifiers: Orphanet 145, MedGen C0677776, MeSH D061325, MONDO:0003582. Disease mechanism: loss of function.

Allele frequency attached by ClinVar (database versions not stated): gnomAD exomes below 0.00001.

Submissions (2):

Ambry Genetics
Classification: Uncertain significance for Hereditary cancer-predisposing syndrome. Last evaluated: 2024-11-12. Review status: criteria provided, single submitter. Criteria: Ambry Variant Classification Scheme 2023. Collection method: clinical testing. Allele origin: germline.
Comment: The p.M192V variant (also known as c.574A>G), located in coding exon 6 of the BRCA2 gene, results from an A to G substitution at nucleotide position 574. The methionine at codon 192 is replaced by valine, an amino acid with highly similar properties. This amino acid position is highly conserved in available vertebrate species. In addition, this alteration is predicted to be tolerated by in silico analysis. Based on the available evidence, the clinical significance of this variant remains unclear.

Labcorp Genetics (formerly Invitae), Labcorp
Classification: Uncertain significance for Hereditary breast ovarian cancer syndrome. Last evaluated: 2017-12-20. Review status: criteria provided, single submitter. Criteria: Invitae Variant Classification Sherloc (09022015). Collection method: clinical testing. Allele origin: germline.
Comment: This sequence change replaces methionine with valine at codon 192 of the BRCA2 protein (p.Met192Val). The methionine residue is moderately conserved and there is a small physicochemical difference between methionine and valine. This variant is not present in population databases (ExAC no frequency). In summary, the available evidence is currently insufficient to determine the role of this variant in disease. Therefore, it has been classified as a Variant of Uncertain Significance. Algorithms developed to predict the effect of missense changes on protein structure and function do not agree on the potential impact of this missense change (SIFT: "Deleterious"; PolyPhen-2: "Probably Damaging"; Align-GVGD: "Class C0"). This variant has not been reported in the literature in individuals with BRCA2-related disease.